The following is an entry in ClinVar:

ClinVar aggregate classification (germline): Uncertain significance (1 of 4 stars; one submission).

Conditions:
Combined oxidative phosphorylation defect type 14. Also called: Combined oxidative phosphorylation deficiency 14. Identifiers: Orphanet 319519, MedGen C4755312, MONDO:0013986, OMIM 614946.

Submission:

Labcorp Genetics (formerly Invitae), Labcorp
Classification: Uncertain significance for Combined oxidative phosphorylation defect type 14. Last evaluated: 2025-11-23. Review status: criteria provided, single submitter. Criteria: Invitae Variant Classification Sherloc (09022015). Collection method: clinical testing. Allele origin: germline.
Comment: This sequence change replaces phenylalanine, which is neutral and non-polar, with leucine, which is neutral and non-polar, at codon 270 of the FARS2 protein (p.Phe270Leu). This variant is not present in population databases (gnomAD no frequency). This variant has not been reported in the literature in individuals affected with FARS2-related conditions. Invitae Evidence Modeling of protein sequence and biophysical properties (such as structural, functional, and spatial information, amino acid conservation, physicochemical variation, residue mobility, and thermodynamic stability) indicates that this missense variant is expected to disrupt FARS2 protein function with a positive predictive value of 95%. In summary, the available evidence is currently insufficient to determine the role of this variant in disease. Therefore, it has been classified as a Variant of Uncertain Significance.

NM_006567.5(FARS2):c.810T>A (p.Phe270Leu)

Gene: FARS2 (phenylalanyl-tRNA synthetase 2, mitochondrial; plus strand). Cytogenetic location: 6p25.1.
Variant type: single nucleotide variant.
Coding change: c.810T>A on transcript NM_006567.5 (MANE Select); coding-DNA position 810, T replaced by A.
Protein change: p.Phe270Leu; replaces phenylalanine 270 with leucine.
Molecular consequence: missense variant. On other transcripts: intron variant (1).
Genome position (GRCh38, 1-based): chr6:5,431,078, T>A. VCF-style: chr6-5431078-T-A. GRCh37 (hg19) VCF-style: chr6-5431311-T-A.
Other names: c.810T>A, p.Phe270Leu (NM_001318872.2, NM_001374875.1, NM_001374876.1 and 4 more transcripts); c.114T>A, p.Phe38Leu (NM_001375259.1, NM_001375260.1); c.772+26377T>A (NM_001375258.1); short protein forms F38L, F270L.
Identifiers: ClinVar variation 4775862 (VCV004775862.1).
Genomic context (GRCh38, chr6:5,431,078, plus strand): 5'-TTGTTTCTTTGGCAACTTTGCAGAGCTGGAGATAAGATGGGTAGACTGCTACTTCCCTTT[T>A]ACACATCCTTCCTTTGAGATGGAGATCAACTTTCATGGAGAATGGCTGGAAGTTCTTGGC-3'
Protein context (NP_006558.1, residues 260-280): EIRWVDCYFP[Phe270Leu]THPSFEMEIN